The following is an entry in ClinVar:

NM_006258.4(PRKG1):c.1858A>T (p.Asn620Tyr)

Gene: PRKG1 (protein kinase cGMP-dependent 1; plus strand). Cytogenetic location: 10q21.1.
Variant type: single nucleotide variant.
Coding change: c.1858A>T on transcript NM_006258.4 (MANE Select); coding-DNA position 1858, A replaced by T.
Protein change: p.Asn620Tyr; replaces asparagine 620 with tyrosine.
Molecular consequence: missense variant.
Genome position (GRCh38, 1-based): chr10:52,288,956, A>T. VCF-style: chr10-52288956-A-T. GRCh37 (hg19) VCF-style: chr10-54048716-A-T.
Other names: c.1858A>T (NM_006258.3); c.1813A>T, p.Asn605Tyr (NM_001098512.3); c.649A>T, p.Asn217Tyr (NM_001374781.1); short protein forms N605Y, N217Y, N620Y.
Identifiers: ClinVar variation 1461645 (VCV001461645.6), dbSNP rs2132460377, ClinGen allele CA376536458.

ClinVar aggregate classification (germline): Uncertain significance. Review status: criteria provided, multiple submitters, no conflicts (2 of 4 stars). 2 submissions from 2 submitters: Uncertain significance (2). Last evaluated 2022-11-08.

Conditions:
Aortic aneurysm, familial thoracic 8 (AAT8). Identifiers: MedGen C3809513, MONDO:0014187, OMIM 615436.

Submissions (2):

GeneDx
Classification: Uncertain significance. Last evaluated: 2022-11-08. Review status: criteria provided, single submitter. Criteria: GeneDx Variant Classification Process June 2021. Collection method: clinical testing. Allele origin: germline. Affected: yes.
Comment: Not observed at significant frequency in large population cohorts (gnomAD); In silico analysis supports that this missense variant does not alter protein structure/function; Has not been previously published as pathogenic or benign to our knowledge

Labcorp Genetics (formerly Invitae), Labcorp
Classification: Uncertain significance for Aortic aneurysm, familial thoracic 8. Last evaluated: 2022-08-16. Review status: criteria provided, single submitter. Criteria: Invitae Variant Classification Sherloc (09022015). Collection method: clinical testing. Allele origin: germline.
Comment: ClinVar contains an entry for this variant (Variation ID: 1461645). This variant has not been reported in the literature in individuals affected with PRKG1-related conditions. This variant is not present in population databases (gnomAD no frequency). This sequence change replaces asparagine, which is neutral and polar, with tyrosine, which is neutral and polar, at codon 620 of the PRKG1 protein (p.Asn620Tyr). Algorithms developed to predict the effect of missense changes on protein structure and function (SIFT, PolyPhen-2, Align-GVGD) all suggest that this variant is likely to be tolerated. In summary, the available evidence is currently insufficient to determine the role of this variant in disease. Therefore, it has been classified as a Variant of Uncertain Significance. Algorithms developed to predict the effect of sequence changes on RNA splicing suggest that this variant may create or strengthen a splice site.